The following is an entry in ClinVar:

NM_024426.6(WT1):c.652C>T (p.Arg218Cys)

Genes: WT1 (WT1 transcription factor; minus strand), LOC107982234 (WT1/WT1-AS bi-directional promoter region; plus strand). Cytogenetic location: 11p13.
Variant type: single nucleotide variant.
Coding change: c.652C>T on transcript NM_024426.6 (MANE Select); coding-DNA position 652, C replaced by T.
Protein change: p.Arg218Cys; replaces arginine 218 with cysteine.
Molecular consequence: missense variant. On other transcripts: non-coding transcript variant (1).
Genome position (GRCh38, 1-based): chr11:32,434,709, G>A on the plus strand (C>T on the coding strand, the complement: WT1 is on the minus strand). VCF-style: chr11-32434709-G-A. GRCh37 (hg19) VCF-style: chr11-32456255-G-A.
Other names: c.652C>T, p.Arg218Cys (NM_000378.6, NM_001407044.1, NM_001407045.1 and 6 more transcripts); c.637C>T, p.Arg213Cys (NM_024425.2); short protein forms R213C, R218C.
Identifiers: ClinVar variation 2416242 (VCV002416242.10), dbSNP rs2133101131, ClinGen allele CA379964405.
Genomic context (GRCh38, chr11:32,434,709, plus strand): 5'-GTCCCTGGCGCCACTGCCCCGCGCGTAGGGGGCGCTCCCCGGCCTACTTACCCTGATTGC[G>A]AATAGCGGGCTGGCTCTCGAGGCAGCTGGGCAGGTAGGGCGCGTTAGGAAACATCCTGGC-3'
Protein context (NP_077744.4, residues 208-228): PSCLESQPAI[Arg218Cys]NQGYSTVTFD

ClinVar aggregate classification (germline): Uncertain significance (1 of 4 stars; one submission).

Conditions:
Frasier syndrome. Identifiers: Orphanet 347, MedGen C0950122, MeSH D052159, MONDO:0007635, OMIM 136680.
Wilms tumor 1 (WT1). Also called: Wilms tumor, somatic. Identifiers: Orphanet 654, MedGen CN033288, MONDO:0008679, OMIM 194070.
11p partial monosomy syndrome (WAGR). Also called: WAGR Complex; WAGR Spectrum Disorder; WAGR syndrome; CHROMOSOME 11p13 DELETION SYNDROME. Identifiers: Orphanet 893, MedGen C0206115, MONDO:0008681, OMIM 194072.
Drash syndrome (DDS). Also called: NEPHROPATHY, WILMS TUMOR, AND GENITAL ANOMALIES; WILMS TUMOR AND PSEUDO- OR TRUE HERMAPHRODITISM. Identifiers: Orphanet 220, MedGen C0950121, MONDO:0008682, OMIM 194080.

Submission:

Labcorp Genetics (formerly Invitae), Labcorp
Classification: Uncertain significance for Wilms tumor 1; Drash syndrome; 11p partial monosomy syndrome; Frasier syndrome. Last evaluated: 2021-12-30. Review status: criteria provided, single submitter. Criteria: Invitae Variant Classification Sherloc (09022015). Collection method: clinical testing. Allele origin: germline.
Comment: In summary, the available evidence is currently insufficient to determine the role of this variant in disease. Therefore, it has been classified as a Variant of Uncertain Significance. Algorithms developed to predict the effect of missense changes on protein structure and function (SIFT, PolyPhen-2, Align-GVGD) all suggest that this variant is likely to be disruptive. This variant has not been reported in the literature in individuals affected with WT1-related conditions. This variant is not present in population databases (gnomAD no frequency). This sequence change replaces arginine, which is basic and polar, with cysteine, which is neutral and slightly polar, at codon 213 of the WT1 protein (p.Arg213Cys).